The following is an entry in ClinVar:

NM_000245.4(MET):c.1388T>A (p.Met463Lys)

Gene: MET (MET proto-oncogene, receptor tyrosine kinase; plus strand). Cytogenetic location: 7q31.2.
Variant type: single nucleotide variant.
Coding change: c.1388T>A on transcript NM_000245.4 (MANE Select); coding-DNA position 1388, T replaced by A.
Protein change: p.Met463Lys; replaces methionine 463 with lysine.
Molecular consequence: missense variant.
Genome position (GRCh38, 1-based): chr7:116,731,855, T>A. VCF-style: chr7-116731855-T-A. GRCh37 (hg19) VCF-style: chr7-116371909-T-A.
Other names: c.1388T>A, p.Met463Lys (NM_001127500.3, NM_001324401.3); c.98T>A, p.Met33Lys (NM_001324402.2); short protein forms M33K, M463K.
Identifiers: ClinVar variation 819028 (VCV000819028.7), dbSNP rs1584914382, ClinGen allele CA368973150.

ClinVar aggregate classification (germline): Uncertain significance. Review status: criteria provided, multiple submitters, no conflicts (2 of 4 stars). 2 submissions from 2 submitters: Uncertain significance (2). Last evaluated 2025-07-13.

Conditions:
Renal cell carcinoma. Identifiers: Orphanet 217071, MedGen C0007134, MeSH D002292, MONDO:0005086, HP:0005584.
Hereditary cancer-predisposing syndrome. Also called: Tumor predisposition; Hereditary neoplastic syndrome; Neoplastic Syndromes, Hereditary; Hereditary Cancer Syndrome. Identifiers: Orphanet 140162, MedGen C0027672, MeSH D009386, MONDO:0015356.

gnomAD v4.1: 2 of 1,614,008 alleles (0.00012%); highest among the groups gnomAD compares: Non-Finnish European, 0.00017%; no homozygotes.

Submissions (2):

Labcorp Genetics (formerly Invitae), Labcorp
Classification: Uncertain significance for Renal cell carcinoma. Last evaluated: 2025-07-13. Review status: criteria provided, single submitter. Criteria: Invitae Variant Classification Sherloc (09022015). Collection method: clinical testing. Allele origin: germline.
Comment: This sequence change replaces methionine, which is neutral and non-polar, with lysine, which is basic and polar, at codon 463 of the MET protein (p.Met463Lys). This variant is not present in population databases (gnomAD no frequency). This variant has not been reported in the literature in individuals affected with MET-related conditions. ClinVar contains an entry for this variant (Variation ID: 819028). Invitae Evidence Modeling of protein sequence and biophysical properties (such as structural, functional, and spatial information, amino acid conservation, physicochemical variation, residue mobility, and thermodynamic stability) indicates that this missense variant is not expected to disrupt MET protein function with a negative predictive value of 80%. In summary, the available evidence is currently insufficient to determine the role of this variant in disease. Therefore, it has been classified as a Variant of Uncertain Significance.

Ambry Genetics
Classification: Uncertain significance for Hereditary cancer-predisposing syndrome. Last evaluated: 2024-06-08. Review status: criteria provided, single submitter. Criteria: Ambry Variant Classification Scheme 2023. Collection method: clinical testing. Allele origin: germline.
Comment: The p.M463K variant (also known as c.1388T>A), located in coding exon 2 of the MET gene, results from a T to A substitution at nucleotide position 1388. The methionine at codon 463 is replaced by lysine, an amino acid with similar properties. This amino acid position is highly conserved in available vertebrate species. In addition, the in silico prediction for this alteration is inconclusive. Since supporting evidence is limited at this time, the clinical significance of this alteration remains unclear.